The following is an entry in ClinVar:

ClinVar aggregate classification (germline): Uncertain significance. Review status: criteria provided, multiple submitters, no conflicts (2 of 4 stars). 2 submissions from 2 submitters: Uncertain significance (2). Last evaluated 2024-11-22.

Conditions:
Frasier syndrome. Identifiers: Orphanet 347, MedGen C0950122, MeSH D052159, MONDO:0007635, OMIM 136680.
Drash syndrome (DDS). Also called: NEPHROPATHY, WILMS TUMOR, AND GENITAL ANOMALIES; WILMS TUMOR AND PSEUDO- OR TRUE HERMAPHRODITISM. Identifiers: Orphanet 220, MedGen C0950121, MONDO:0008682, OMIM 194080.
Wilms tumor 1 (WT1). Also called: Wilms tumor, somatic. Identifiers: Orphanet 654, MedGen CN033288, MONDO:0008679, OMIM 194070.
11p partial monosomy syndrome (WAGR). Also called: WAGR syndrome; WAGR Complex; CHROMOSOME 11p13 DELETION SYNDROME; WAGR Spectrum Disorder. Identifiers: Orphanet 893, MedGen C0206115, MONDO:0008681, OMIM 194072.
Inborn genetic diseases. Identifiers: MedGen C0950123, MeSH D030342.

Allele frequency attached by ClinVar (database versions not stated): gnomAD 0.00001 and 0.00002; gnomAD exomes 0.00001; TOPMed 0.00001; ExAC 0.00002; 1000 Genomes Project 30x 0.00016; 1000 Genomes Project 0.00020.
gnomAD v4.1: 7 of 1,614,100 alleles (0.00043%); highest among the groups gnomAD compares: East Asian, 0.0022%; no homozygotes.

Submissions (2):

Ambry Genetics
Classification: Uncertain significance for Inborn genetic diseases. Last evaluated: 2024-11-22. Review status: criteria provided, single submitter. Criteria: Ambry Variant Classification Scheme 2023. Collection method: clinical testing. Allele origin: germline.
Comment: The p.R485Q variant (also known as c.1454G>A), located in coding exon 10 of the WT1 gene, results from a G to A substitution at nucleotide position 1454. The arginine at codon 485 is replaced by glutamine, an amino acid with highly similar properties. This amino acid position is conserved. In addition, the in silico prediction for this alteration is inconclusive. Based on the available evidence, the clinical significance of this variant remains unclear.

Labcorp Genetics (formerly Invitae), Labcorp
Classification: Uncertain significance for Wilms tumor 1; Drash syndrome; 11p partial monosomy syndrome; Frasier syndrome. Last evaluated: 2024-06-17. Review status: criteria provided, single submitter. Criteria: Invitae Variant Classification Sherloc (09022015). Collection method: clinical testing. Allele origin: germline.
Comment: This sequence change replaces arginine, which is basic and polar, with glutamine, which is neutral and polar, at codon 485 of the WT1 protein (p.Arg485Gln). This variant is present in population databases (rs139893274, gnomAD 0.003%). This variant has not been reported in the literature in individuals affected with WT1-related conditions. ClinVar contains an entry for this variant (Variation ID: 241477). An algorithm developed to predict the effect of missense changes on protein structure and function (PolyPhen-2) suggests that this variant is likely to be disruptive. In summary, the available evidence is currently insufficient to determine the role of this variant in disease. Therefore, it has been classified as a Variant of Uncertain Significance.

NM_024426.6(WT1):c.1469G>A (p.Arg490Gln)

Gene: WT1 (WT1 transcription factor; minus strand). Cytogenetic location: 11p13.
Variant type: single nucleotide variant.
Coding change: c.1469G>A on transcript NM_024426.6 (MANE Select); coding-DNA position 1469, G replaced by A.
Protein change: p.Arg490Gln; replaces arginine 490 with glutamine.
Molecular consequence: missense variant. On other transcripts: non-coding transcript variant (1).
Genome position (GRCh38, 1-based): chr11:32,389,158, C>T on the plus strand (G>A on the coding strand, the complement: WT1 is on the minus strand). VCF-style: chr11-32389158-C-T. GRCh37 (hg19) VCF-style: chr11-32410704-C-T.
Other names: c.1409G>A, p.Arg470Gln (NM_000378.6); c.809G>A, p.Arg270Gln (NM_001198551.2); c.767G>A, p.Arg256Gln (NM_001198552.2); c.281G>A, p.Arg94Gln (NM_001367854.1); c.1454G>A, p.Arg485Gln (NM_001407044.1); c.1418G>A, p.Arg473Gln (NM_001407045.1); c.1376G>A, p.Arg459Gln (NM_001407046.1); c.1337G>A, p.Arg446Gln (NM_001407047.1); and 6 more; short protein forms R270Q, R490Q, R256Q, R470Q, R487Q, R94Q, R446Q, R459Q.
Identifiers: ClinVar variation 241477 (VCV000241477.11), dbSNP rs139893274, ClinGen allele CA064623.